The following is an entry in ClinVar:

ClinVar aggregate classification (germline): Pathogenic. Review status: criteria provided, multiple submitters, no conflicts (2 of 4 stars). 2 submissions from 2 submitters: Pathogenic (2). Last evaluated 2026-09-17.

Conditions:
Familial focal epilepsy with variable foci (FPEVF). Identifiers: Orphanet 98820, MedGen C1858477, MONDO:0020310.

Submissions (2):

GeneDx
Classification: Pathogenic. Last evaluated: 2026-09-17. Review status: criteria provided, single submitter. Criteria: GeneDx Variant Classification Process June 2021. Collection method: clinical testing. Allele origin: germline.
Comment: Frameshift variant predicted to result in protein truncation or nonsense mediated decay in a gene for which loss of function is a known mechanism of disease; Not observed at significant frequency in large population cohorts (gnomAD); Has not been previously published as pathogenic or benign to our knowledge

Labcorp Genetics (formerly Invitae), Labcorp
Classification: Pathogenic for Familial focal epilepsy with variable foci. Last evaluated: 2023-06-14. Review status: criteria provided, single submitter. Criteria: Invitae Variant Classification Sherloc (09022015). Collection method: clinical testing. Allele origin: germline.
Comment: For these reasons, this variant has been classified as Pathogenic. This variant has not been reported in the literature in individuals affected with DEPDC5-related conditions. This sequence change creates a premature translational stop signal (p.Pro1309Leufs*36) in the DEPDC5 gene. It is expected to result in an absent or disrupted protein product. Loss-of-function variants in DEPDC5 are known to be pathogenic (PMID: 23542697, 23542701). This variant is not present in population databases (gnomAD no frequency).

Literature cited by the submitters: PubMed 23542697 (cited by Labcorp Genetics (formerly Invitae), Labcorp); PubMed 23542701 (cited by Labcorp Genetics (formerly Invitae), Labcorp).

NM_001242896.3(DEPDC5):c.3926del (p.Pro1309fs)

Gene: DEPDC5 (DEP domain containing 5, GATOR1 subcomplex subunit; plus strand). Cytogenetic location: 22q12.3.
Variant type: Deletion.
Coding change: c.3926del on transcript NM_001242896.3 (MANE Select); coding-DNA position 3926, one base deleted (C; older notation c.3926delC).
Protein change: p.Pro1309fs; shifts the reading frame from proline 1309.
Molecular consequence: frameshift variant. On other transcripts: non-coding transcript variant (5).
Genome position (GRCh38, 1-based): chr22:31,879,645, C deleted; the last of 2 consecutive C bases (chr22:31,879,644-31,879,645); deleting either gives the same sequence. VCF-style (leftmost placement, unchanged base first): chr22-31879643-TC-T. GRCh37 (hg19) VCF-style: chr22-32275629-TC-T.
Other names: c.3926del, p.Pro1309fs (NM_001364318.2); c.3692del, p.Pro1231fs (NM_001364319.2, NM_001363854.2); c.3860del, p.Pro1287fs (NM_001364320.2, NM_001363852.2); c.3926del (NM_001242896.1); c.3842del, p.Pro1281fs (NM_001369901.1, NM_001369902.1); c.3833del, p.Pro1278fs (NM_001369903.1, NM_014662.6); c.3899del, p.Pro1300fs (NM_001136029.4); c.3626del, p.Pro1209fs (NM_001242897.2); short protein forms P1209fs, P1300fs, P1278fs, P1231fs, P1309fs, P1281fs, P1287fs.
Identifiers: ClinVar variation 2713303 (VCV002713303.6), dbSNP rs2522691572, ClinGen allele CA2697552693.